The following is an entry in ClinVar:

ClinVar aggregate classification (germline): Pathogenic/Likely pathogenic. Review status: criteria provided, multiple submitters, no conflicts (2 of 4 stars). 11 submissions from 11 submitters: Pathogenic (7); Likely pathogenic (1). 3 of the submissions do not count toward it. Last evaluated 2025-10-02.

Conditions:
Abnormal central motor function. Identifiers: MedGen C4023354, HP:0011442.
Gastric cancer. Also called: Stomach cancer; Malignant tumor of stomach. Identifiers: MedGen C0024623, MeSH D013274, MONDO:0001056, OMIM 613659, HP:0012126.
Hereditary cancer-predisposing syndrome. Also called: Neoplastic Syndromes, Hereditary; Hereditary neoplastic syndrome; Hereditary Cancer Syndrome; Tumor predisposition. Identifiers: Orphanet 140162, MedGen C0027672, MeSH D009386, MONDO:0015356.
Familial cancer of breast. Also called: hereditary breast carcinoma; BREAST CANCER, FAMILIAL; Hereditary breast cancer. Identifiers: Orphanet 227535, MedGen C0346153, MONDO:0016419, OMIM 114480. Disease mechanism: loss of function.
Ataxia-telangiectasia syndrome (AT). Also called: LOUIS-BAR SYNDROME; Cerebello-oculocutaneous telangiectasia; Immunodeficiency with ataxia telangiectasia; Ataxia-telangiectasia, complementation group D; AT, COMPLEMENTATION GROUP C; ATAXIA-TELANGIECTASIA, COMPLEMENTATION GROUP A. Identifiers: Orphanet 100, MedGen C0004135, MONDO:0008840, OMIM 208900.

Allele frequency attached by ClinVar (database versions not stated): gnomAD exomes below 0.00001; TOPMed below 0.00001; gnomAD 0.00001.
gnomAD v4.1: 3 of 1,613,182 alleles (0.00019%); highest among the groups gnomAD compares: African/African-American, 0.0027%; no homozygotes.

Submissions (11):

Labcorp Genetics (formerly Invitae), Labcorp
Classification: Pathogenic for Ataxia-telangiectasia syndrome. Last evaluated: 2025-10-02. Review status: criteria provided, single submitter. Criteria: Invitae Variant Classification Sherloc (09022015). Collection method: clinical testing. Allele origin: germline.
Comment: This sequence change creates a premature translational stop signal (p.Glu277*) in the ATM gene. It is expected to result in an absent or disrupted protein product. Loss-of-function variants in ATM are known to be pathogenic (PMID: 23807571, 25614872). This variant is not present in population databases (gnomAD no frequency). This premature translational stop signal has been observed in individual(s) with colorectal cancer and prostate cancer, and ataxia-telangiectasia (PMID: 21665257, 27989354, 29368341, 29478780). ClinVar contains an entry for this variant (Variation ID: 234216). Algorithms developed to predict the effect of sequence changes on RNA splicing suggest that this variant may disrupt the consensus splice site. For these reasons, this variant has been classified as Pathogenic.

Baylor Genetics
Classification: Likely pathogenic for Familial cancer of breast. Last evaluated: 2024-01-15. Review status: criteria provided, single submitter. Criteria: ACMG Guidelines, 2015. Collection method: clinical testing. Allele origin: unknown.

Myriad Genetics, Inc.
Classification: Pathogenic for Familial cancer of breast. Last evaluated: 2024-01-11. Review status: criteria provided, single submitter. Criteria: Myriad Autosomal Dominant, Autosomal Recessive and X-Linked Classification Criteria (2023). Collection method: clinical testing. Allele origin: unknown.
Comment: This variant is considered pathogenic. This variant creates a termination codon and is predicted to result in premature protein truncation.

Ambry Genetics
Classification: Pathogenic for Hereditary cancer-predisposing syndrome. Last evaluated: 2023-10-20. Review status: criteria provided, single submitter. Criteria: Ambry Variant Classification Scheme 2023. Collection method: clinical testing. Allele origin: germline.
Comment: The p.E277* pathogenic mutation (also known as c.829G>T), located in coding exon 6 of the ATM gene, results from a G to T substitution at nucleotide position 829. This changes the amino acid from a glutamic acid to a stop codon within coding exon 6. This alteration has been identified in cohorts of prostate and colon cancer patients (Na R et al. Eur. Urol. 2017 05;71:740-747; Isaacsson Velho P et al. Prostate. 2018 04;78:401-407; AlDubayan SH et al. Am. J. Hum. Genet. 2018 03;102:401-414). This variant is considered to be rare based on population cohorts in the Genome Aggregation Database (gnomAD). In addition to the clinical data presented in the literature, this alteration is expected to result in loss of function by premature protein truncation or nonsense-mediated mRNA decay. As such, this alteration is interpreted as a disease-causing mutation.

GeneDx
Classification: Pathogenic. Last evaluated: 2023-10-10. Review status: criteria provided, single submitter. Criteria: GeneDx Variant Classification Process June 2021. Collection method: clinical testing. Allele origin: germline. Affected: yes.
Comment: Nonsense variant predicted to result in protein truncation or nonsense mediated decay in a gene for which loss-of-function is a known mechanism of disease; Observed heterozygous in individuals with breast and other cancers (PMID: 32091409, 29368341, 29478780); Not observed at significant frequency in large population cohorts (gnomAD); Truncating variants in this gene are considered pathogenic by a well-established clinical consortium and/or database; This variant is associated with the following publications: (PMID: 28888541, 29368341, 32091409, 27989354, 21665257, 28916186, 29478780, 34628594, 33547824, 32962506)

Color Diagnostics, LLC DBA Color Health
Classification: Pathogenic for Hereditary cancer-predisposing syndrome. Last evaluated: 2023-02-17. Review status: criteria provided, single submitter. Criteria: ACMG Guidelines, 2015. Collection method: clinical testing. Allele origin: germline.
Comment: This variant changes 1 nucleotide in exon 7 of the ATM gene, creating a premature translation stop signal. This variant is expected to result in an absent or non-functional protein product. This variant has been reported in the homozygous and compound heterozygous states in individuals affected with ataxia telangiectasia (PMID: 21665257, 32962506). This variant has also been reported in individuals affected with breast cancer, prostate cancer or colorectal cancer (PMID: 27989354, 29368341, 29478780, 32091409). This variant has not been identified in the general population by the Genome Aggregation Database (gnomAD). Loss of ATM function is a known mechanism of disease. Based on the available evidence, this variant is classified as Pathogenic.

Kariminejad - Najmabadi Pathology & Genetics Center
Classification: Pathogenic for Abnormal central motor function. Last evaluated: 2021-07-10. Review status: criteria provided, single submitter. Criteria: ACMG Guidelines, 2015. Collection method: clinical testing. Allele origin: germline. Affected: yes.

Department of Pathology and Laboratory Medicine, Sinai Health System
Classification: Pathogenic for Familial cancer of breast. Last evaluated: 2021-04-01. Review status: criteria provided, single submitter. Criteria: ACMG Guidelines, 2015. Collection method: clinical testing. Allele origin: germline. Affected: yes.

Laboratory for Genotyping Development, RIKEN
Classification: Pathogenic for Gastric cancer. Last evaluated: 2021-07-01. Review status: no assertion criteria provided. Collection method: research. Allele origin: germline. Not counted in ClinVar's aggregate classification.

Counsyl
Classification: Likely pathogenic for Ataxia-telangiectasia syndrome. Last evaluated: 2017-09-26. Review status: no assertion criteria provided. Collection method: clinical testing. Allele origin: unknown. Not counted in ClinVar's aggregate classification.

Immunology, Asthma and Allergy Research Institute, Tehran University of Medical Sciences
Classification: Pathogenic for Ataxia-telangiectasia syndrome. Review status: no assertion criteria provided. Collection method: research. Allele origin: inherited. Affected: yes. Not counted in ClinVar's aggregate classification.

Literature cited by the submitters: PubMed 23807571 (cited by Labcorp Genetics (formerly Invitae), Labcorp and Immunology, Asthma and Allergy Research Institute, Tehran University of Medical Sciences); PubMed 25614872 (cited by Labcorp Genetics (formerly Invitae), Labcorp); PubMed 21665257 (cited by 3 submitters); PubMed 27989354 (cited by 4 submitters); PubMed 29368341 (cited by 4 submitters); PubMed 29478780 (cited by 4 submitters); PubMed 32091409 (cited by Color Diagnostics, LLC DBA Color Health); PubMed 32962506 (cited by Color Diagnostics, LLC DBA Color Health); PubMed 36988593 (cited by Laboratory for Genotyping Development, RIKEN).

NM_000051.4(ATM):c.829G>T (p.Glu277Ter)

Gene: ATM (ATM serine/threonine kinase; plus strand). Cytogenetic location: 11q22.3.
Variant type: single nucleotide variant.
Coding change: c.829G>T on transcript NM_000051.4 (MANE Select); coding-DNA position 829, G replaced by T.
Protein change: p.Glu277Ter; replaces glutamic acid 277 with a stop codon.
Molecular consequence: nonsense.
Genome position (GRCh38, 1-based): chr11:108,244,954, G>T. VCF-style: chr11-108244954-G-T. GRCh37 (hg19) VCF-style: chr11-108115681-G-T.
Other names: c.829G>T, p.Glu277Ter (NM_001351834.2); short protein forms E277*.
Identifiers: ClinVar variation 234216 (VCV000234216.60), dbSNP rs876660933, ClinGen allele CA10578979.